The following is an entry in ClinVar:

NM_001370466.1(NOD2):c.845T>C (p.Leu282Pro)

Gene: NOD2 (nucleotide binding oligomerization domain containing 2; plus strand). Cytogenetic location: 16q12.1.
Variant type: single nucleotide variant.
Coding change: c.845T>C on transcript NM_001370466.1 (MANE Select); coding-DNA position 845, T replaced by C.
Protein change: p.Leu282Pro; replaces leucine 282 with proline.
Molecular consequence: missense variant. On other transcripts: non-coding transcript variant (1).
Genome position (GRCh38, 1-based): chr16:50,710,837, T>C. VCF-style: chr16-50710837-T-C. GRCh37 (hg19) VCF-style: chr16-50744748-T-C.
Other names: c.845T>C, p.Leu282Pro (NM_001293557.2); c.926T>C, p.Leu309Pro (NM_022162.3); short protein forms L282P, L309P.
Identifiers: ClinVar variation 934684 (VCV000934684.10), dbSNP rs767225117, ClinGen allele CA8051425.
Genomic context (GRCh38, chr16:50,710,837, plus strand): 5'-ATGACGATGCGGACACTGTGCTGGTGGTGGGTGAGGCGGGCAGTGGCAAGAGCACGCTCC[T>C]GCAGCGGCTGCACTTGCTGTGGGCTGCAGGGCAAGACTTCCAGGAATTTCTCTTTGTCTT-3'
Protein context (NP_001357395.1, residues 272-292): GEAGSGKSTL[Leu282Pro]QRLHLLWAAG

ClinVar aggregate classification (germline): Uncertain significance (1 of 4 stars; one submission).

Conditions:
Blau syndrome (BLAUS). Also called: GRANULOMATOSIS, FAMILIAL JUVENILE SYSTEMIC; GRANULOMATOSIS, FAMILIAL, BLAU TYPE; GRANULOMATOUS INFLAMMATORY ARTHRITIS, DERMATITIS, AND UVEITIS, FAMILIAL; JABS SYNDROME; ARTHROCUTANEOUVEAL GRANULOMATOSIS. Identifiers: Orphanet 90340, MedGen C5201146, MONDO:0008523, OMIM 186580.
Regional enteritis. Also called: Enteritis, Granulomatous. Identifiers: MedGen C0678202, MeSH D003424.

Allele frequency attached by ClinVar (database versions not stated): ExAC 0.00001; gnomAD exomes 0.00001 and 0.00002; TOPMed 0.00002; gnomAD 0.00003.
gnomAD v4.1: 20 of 1,613,990 alleles (0.0012%); highest among the groups gnomAD compares: East Asian, 0.0022%; no homozygotes.

Submission:

Labcorp Genetics (formerly Invitae), Labcorp
Classification: Uncertain significance for Regional enteritis; Blau syndrome. Last evaluated: 2025-01-23. Review status: criteria provided, single submitter. Criteria: Invitae Variant Classification Sherloc (09022015). Collection method: clinical testing. Allele origin: germline.
Comment: This sequence change replaces leucine, which is neutral and non-polar, with proline, which is neutral and non-polar, at codon 309 of the NOD2 protein (p.Leu309Pro). This variant is present in population databases (rs767225117, gnomAD 0.004%). This variant has not been reported in the literature in individuals affected with NOD2-related conditions. ClinVar contains an entry for this variant (Variation ID: 934684). Invitae Evidence Modeling of protein sequence and biophysical properties (such as structural, functional, and spatial information, amino acid conservation, physicochemical variation, residue mobility, and thermodynamic stability) has been performed for this missense variant. However, the output from this modeling did not meet the statistical confidence thresholds required to predict the impact of this variant on NOD2 protein function. In summary, the available evidence is currently insufficient to determine the role of this variant in disease. Therefore, it has been classified as a Variant of Uncertain Significance.